The following is an entry in ClinVar:

ClinVar aggregate classification (germline): Likely benign. Review status: criteria provided, multiple submitters, no conflicts (2 of 4 stars). 2 submissions from 2 submitters: Likely benign (2). Last evaluated 2025-03-09.

Conditions:
Familial cancer of breast. Also called: BREAST CANCER, FAMILIAL; Hereditary breast cancer; hereditary breast carcinoma. Identifiers: Orphanet 227535, MedGen C0346153, MONDO:0016419, OMIM 114480. Disease mechanism: loss of function.
Ataxia-telangiectasia syndrome (AT). Also called: LOUIS-BAR SYNDROME; Cerebello-oculocutaneous telangiectasia; Immunodeficiency with ataxia telangiectasia; Ataxia telangiectasia (A-T); Ataxia-telangiectasia, complementation group D; AT, COMPLEMENTATION GROUP C. Identifiers: Orphanet 100, MedGen C0004135, MONDO:0008840, OMIM 208900.

Submissions (2):

Labcorp Genetics (formerly Invitae), Labcorp
Classification: Likely benign for Ataxia-telangiectasia syndrome. Last evaluated: 2025-03-09. Review status: criteria provided, single submitter. Criteria: Invitae Variant Classification Sherloc (09022015). Collection method: clinical testing. Allele origin: germline.

Myriad Genetics, Inc.
Classification: Likely benign for Familial cancer of breast. Last evaluated: 2024-06-19. Review status: criteria provided, single submitter. Criteria: Myriad Autosomal Dominant, Autosomal Recessive and X-Linked Classification Criteria (2023). Collection method: clinical testing. Allele origin: unknown.
Comment: This variant is considered likely benign. This variant is intronic and is not expected to impact mRNA splicing.

NM_000051.4(ATM):c.8269-12C>T

Genes: ATM (ATM serine/threonine kinase; plus strand), C11orf65 (chromosome 11 open reading frame 65; minus strand). Cytogenetic location: 11q22.3.
Variant type: single nucleotide variant.
Coding change: c.8269-12C>T on transcript NM_000051.4 (MANE Select); 12 bases into the intron before coding-DNA position 8269, C replaced by T.
Molecular consequence: intron variant.
Genome position (GRCh38, 1-based): chr11:108,343,210, C>T. VCF-style: chr11-108343210-C-T. GRCh37 (hg19) VCF-style: chr11-108213937-C-T.
Other names: c.8269-12C>T (NM_001351834.2); c.641-34139G>A (NM_001330368.2); c.695-7918G>A (NM_001351110.2).
Identifiers: ClinVar variation 2782909 (VCV002782909.4), dbSNP rs2136938509, ClinGen allele CA2725224088.